The following is an entry in ClinVar:

NM_001130009.3(GEN1):c.434G>C (p.Gly145Ala)

Gene: GEN1 (GEN1 structure-specific endonuclease; plus strand). Cytogenetic location: 2p24.2.
Variant type: single nucleotide variant.
Coding change: c.434G>C on transcript NM_001130009.3 (MANE Select); coding-DNA position 434, G replaced by C.
Protein change: p.Gly145Ala; replaces glycine 145 with alanine.
Molecular consequence: missense variant.
Genome position (GRCh38, 1-based): chr2:17,764,982, G>C. VCF-style: chr2-17764982-G-C. GRCh37 (hg19) VCF-style: chr2-17946249-G-C.
Other names: c.434G>C, p.Gly145Ala (NM_182625.5); short protein forms G145A.
Identifiers: ClinVar variation 5022298 (VCV005022298.1).

ClinVar aggregate classification (germline): Uncertain significance (1 of 4 stars; one submission).

Submission:

Ambry Genetics
Classification: Uncertain significance. Last evaluated: 2026-07-13. Review status: criteria provided, single submitter. Criteria: Ambry Variant Classification Scheme 2023. Collection method: clinical testing. Allele origin: germline.
Comment: The p.G145A variant (also known as c.434G>C), located in coding exon 3 of the GEN1 gene, results from a G to C substitution at nucleotide position 434. The glycine at codon 145 is replaced by alanine, an amino acid with similar properties. This amino acid position is conserved. In addition, this alteration is predicted to be tolerated by in silico analysis. Based on the available evidence, the clinical significance of this variant remains unclear.